The following is an entry in ClinVar:

ClinVar aggregate classification (germline): Uncertain significance (1 of 4 stars; one submission).

Conditions:
Hereditary cancer-predisposing syndrome. Also called: Neoplastic Syndromes, Hereditary; Tumor predisposition; Hereditary neoplastic syndrome; Hereditary Cancer Syndrome. Identifiers: Orphanet 140162, MedGen C0027672, MeSH D009386, MONDO:0015356.

Submission:

Ambry Genetics
Classification: Uncertain significance for Hereditary cancer-predisposing syndrome. Last evaluated: 2019-02-14. Review status: criteria provided, single submitter. Criteria: Ambry Variant Classification Scheme 2023. Collection method: clinical testing. Allele origin: germline.
Comment: The p.L1827P variant (also known as c.5480T>C), located in coding exon 24 of the DICER1 gene, results from a T to C substitution at nucleotide position 5480. The leucine at codon 1827 is replaced by proline, an amino acid with similar properties. This amino acid position is highly conserved in available vertebrate species. In addition, this alteration is predicted to be deleterious by in silico analysis. Since supporting evidence is limited at this time, the clinical significance of this alteration remains unclear.

NM_177438.3(DICER1):c.5480T>C (p.Leu1827Pro)

Gene: DICER1 (dicer 1, ribonuclease III; minus strand). Cytogenetic location: 14q32.13.
Variant type: single nucleotide variant.
Coding change: c.5480T>C on transcript NM_177438.3 (MANE Select); coding-DNA position 5480, T replaced by C.
Protein change: p.Leu1827Pro; replaces leucine 1827 with proline.
Molecular consequence: missense variant. On other transcripts: intron variant (1).
Genome position (GRCh38, 1-based): chr14:95,091,250, A>G on the plus strand (T>C on the coding strand, the complement: DICER1 is on the minus strand). VCF-style: chr14-95091250-A-G. GRCh37 (hg19) VCF-style: chr14-95557587-A-G.
Other names: c.5480T>C, p.Leu1827Pro (NM_001271282.3, NM_001291628.2, NM_030621.4); c.5365-141T>C (NM_001195573.1); short protein forms L1827P.
Identifiers: ClinVar variation 825764 (VCV000825764.4), dbSNP rs1595314543, ClinGen allele CA390864560.